The following is an entry in ClinVar:

ClinVar aggregate classification (germline): Uncertain significance (1 of 4 stars; one submission).

Conditions:
Ogden syndrome (OGDNS). Also called: N-TERMINAL ACETYLTRANSFERASE DEFICIENCY. Identifiers: Orphanet 276432, MedGen C3275447, MONDO:0010457, OMIM 300855.

Submission:

Cincinnati Children's Hospital Medical Center Genetics and Genomics Diagnostic Laboratory, Cincinnati Children's Hospital Medical Center
Classification: Uncertain significance for Ogden syndrome. Last evaluated: 2020-04-01. Review status: criteria provided, single submitter. Criteria: ACMG Guidelines, 2015. Collection method: clinical testing, research. Allele origin: de novo, not applicable. Inheritance: X-linked dominant inheritance. Affected: yes. Functional consequence: effect on protein interaction.
Comment: The Asn101Lys variant in NAA10 has not been reported in individuals with disease, and was absent from large population studies. In summary, the Asn101Lys variant meets our criteria to be classified as of uncertain significance based upon segregation studies and absence from controls.

NM_003491.4(NAA10):c.303C>G (p.Asn101Lys)

Gene: NAA10 (N-alpha-acetyltransferase 10, NatA catalytic subunit; minus strand). Cytogenetic location: Xq28.
Variant type: single nucleotide variant.
Coding change: c.303C>G on transcript NM_003491.4 (MANE Select); coding-DNA position 303, C replaced by G.
Protein change: p.Asn101Lys; replaces asparagine 101 with lysine.
Molecular consequence: missense variant.
Genome position (GRCh38, 1-based): chrX:153,932,354, G>C on the plus strand (C>G on the coding strand, the complement: NAA10 is on the minus strand). VCF-style: chrX-153932354-G-C. GRCh37 (hg19) VCF-style: chrX-153197807-G-C.
Other names: c.303C>G, p.Asn101Lys (NM_001256119.2); c.285C>G, p.Asn95Lys (NM_001256120.2); short protein forms N101K, N95K.
Identifiers: ClinVar variation 870098 (VCV000870098.5), dbSNP rs781871487, ClinGen allele CA415159183.